The following is an entry in ClinVar:

NM_000238.4(KCNH2):c.308-14C>T

Gene: KCNH2 (potassium voltage-gated channel subfamily H member 2; minus strand). Cytogenetic location: 7q36.1.
Variant type: single nucleotide variant.
Coding change: c.308-14C>T on transcript NM_000238.4 (MANE Select); 14 bases into the intron before coding-DNA position 308, C replaced by T.
Molecular consequence: intron variant. On other transcripts: synonymous variant (2).
Genome position (GRCh38, 1-based): chr7:150,959,750, G>A on the plus strand (C>T on the coding strand, the complement: KCNH2 is on the minus strand). VCF-style: chr7-150959750-G-A. GRCh37 (hg19) VCF-style: chr7-150656838-G-A.
Other names: c.6C>T, p.Ser2= (NM_001406753.1, NM_001406756.1); c.308-14C>T (NM_172056.3); c.131-14C>T (NM_001406755.1); c.8-14C>T (NM_001406757.1).
Identifiers: ClinVar variation 3073699 (VCV003073699.1), dbSNP rs2486101948, ClinGen allele CA2685610302.

ClinVar aggregate classification (germline): Likely benign (1 of 4 stars; one submission).

Conditions:
Long QT syndrome (LQTS). Identifiers: MedGen C0023976, MeSH D008133, MONDO:0002442. Disease mechanism: loss of function. Inheritance: Various modes of inheritance.

Allele frequency attached by ClinVar (database versions not stated): gnomAD exomes below 0.00001.
gnomAD v4.1: 1 of 1,614,132 alleles (0.000062%); highest among the groups gnomAD compares: South Asian, 0.0011%; no homozygotes.

Submission:

All of Us Research Program, National Institutes of Health
Classification: Likely benign for Long QT syndrome. Last evaluated: 2023-10-06. Review status: criteria provided, single submitter. Criteria: ACMG Guidelines, 2015. Collection method: clinical testing. Allele origin: germline. Inheritance: Autosomal dominant inheritance. Observed: 1 variant allele, 1 heterozygote.
Comment: This study involves interpretation of variants in research participants for the purpose of population health screening. Participant phenotype was not available at the time of variant classification. Additional details can be found in publication PMID: 35346344, PMCID: PMC8962531